The following is an entry in ClinVar:

ClinVar aggregate classification (germline): Pathogenic (1 of 4 stars; one submission).

Submission:

CeGaT Center for Human Genetics Tuebingen
Classification: Pathogenic. Last evaluated: 2026-07-01. Review status: criteria provided, single submitter. Criteria: CeGaT Center For Human Genetics Tuebingen Variant Classification Criteria Version 2. Collection method: clinical testing. Allele origin: germline. Affected: yes. Observed: 1 variant allele.
Comment: KMT2E: PVS1, PM2

NM_182931.3(KMT2E):c.3302del (p.Ile1101fs)

Gene: KMT2E (lysine methyltransferase 2E (inactive); plus strand). Cytogenetic location: 7q22.3.
Variant type: Deletion.
Coding change: c.3302del on transcript NM_182931.3 (MANE Select); coding-DNA position 3302, one base deleted (T; older notation c.3302delT).
Protein change: p.Ile1101fs; shifts the reading frame from isoleucine 1101.
Molecular consequence: frameshift variant.
Genome position (GRCh38, 1-based): chr7:105,107,759, T deleted. VCF-style (leftmost placement, unchanged base first): chr7-105107758-AT-A. GRCh37 (hg19) VCF-style: chr7-104748205-AT-A.
Other names: c.3302del, p.Ile1101fs (NM_001410908.1, NM_018682.4); short protein forms I1101fs.
Identifiers: ClinVar variation 5040245 (VCV005040245.1).
Genomic context (GRCh38, chr7:105,107,758, plus strand): 5'-AACTCCAACTTGAGGGACCTGACACCCTCGCATCAGTTGGAGGTTGGAGGAGGCTTCCGA[AT>A]AAGTGAGTCAAAGTGCCTGATGCAGGATGATACTAGAGGCATGTTTATGGAAACAACTGT-3'